The following is an entry in ClinVar:

ClinVar aggregate classification (germline): Uncertain significance. Review status: criteria provided, multiple submitters, no conflicts (2 of 4 stars). 3 submissions from 3 submitters: Uncertain significance (3). Last evaluated 2025-12-03.

Conditions:
Hereditary cancer-predisposing syndrome. Also called: Hereditary Cancer Syndrome; Neoplastic Syndromes, Hereditary; Tumor predisposition; Hereditary neoplastic syndrome. Identifiers: Orphanet 140162, MedGen C0027672, MeSH D009386, MONDO:0015356.
Hereditary diffuse gastric adenocarcinoma (HDGC). Also called: DIFFUSE GASTRIC AND LOBULAR BREAST CANCER SYNDROME. Identifiers: Orphanet 26106, MedGen C1708349, MONDO:0007648, OMIM 137215.

Allele frequency attached by ClinVar (database versions not stated): gnomAD exomes below 0.00001; gnomAD 0.00001.
gnomAD v4.1: 4 of 1,613,978 alleles (0.00025%); highest among the groups gnomAD compares: Non-Finnish European, 0.00034%; no homozygotes.

Submissions (3):

Labcorp Genetics (formerly Invitae), Labcorp
Classification: Uncertain significance for Hereditary diffuse gastric adenocarcinoma. Last evaluated: 2025-12-03. Review status: criteria provided, single submitter. Criteria: Invitae Variant Classification Sherloc (09022015). Collection method: clinical testing. Allele origin: germline.
Comment: This sequence change replaces proline, which is neutral and non-polar, with serine, which is neutral and polar, at codon 822 of the CDH1 protein (p.Pro822Ser). This variant is not present in population databases (gnomAD no frequency). This variant has not been reported in the literature in individuals affected with CDH1-related conditions. ClinVar contains an entry for this variant (Variation ID: 232938). An algorithm developed to predict the effect of missense changes on protein structure and function (PolyPhen-2) suggests that this variant is likely to be disruptive. In summary, the available evidence is currently insufficient to determine the role of this variant in disease. Therefore, it has been classified as a Variant of Uncertain Significance.

Ambry Genetics
Classification: Uncertain significance for Hereditary cancer-predisposing syndrome. Last evaluated: 2024-10-26. Review status: criteria provided, single submitter. Criteria: Ambry Variant Classification Scheme 2023. Collection method: clinical testing. Allele origin: germline.
Comment: The p.P822S variant (also known as c.2464C>T), located in coding exon 16 of the CDH1 gene, results from a C to T substitution at nucleotide position 2464. The proline at codon 822 is replaced by serine, an amino acid with similar properties. This amino acid position is highly conserved in available vertebrate species. In addition, the in silico prediction for this alteration is inconclusive. Since supporting evidence is limited at this time, the clinical significance of this alteration remains unclear.

Color Diagnostics, LLC DBA Color Health
Classification: Uncertain significance for Hereditary cancer-predisposing syndrome. Last evaluated: 2023-12-05. Review status: criteria provided, single submitter. Criteria: ACMG Guidelines, 2015. Collection method: clinical testing. Allele origin: germline.
Comment: This missense variant replaces proline with serine at codon 822 of the CDH1 protein. To our knowledge, functional studies have not been reported for this variant. This variant has not been reported in individuals affected with CDH1-related disorders in the literature. This variant has not been identified in the general population by the Genome Aggregation Database (gnomAD). The available evidence is insufficient to determine the role of this variant in disease conclusively. Therefore, this variant is classified as a Variant of Uncertain Significance.

NM_004360.5(CDH1):c.2464C>T (p.Pro822Ser)

Gene: CDH1 (cadherin 1; plus strand). Cytogenetic location: 16q22.1.
Variant type: single nucleotide variant.
Coding change: c.2464C>T on transcript NM_004360.5 (MANE Select); coding-DNA position 2464, C replaced by T.
Protein change: p.Pro822Ser; replaces proline 822 with serine.
Molecular consequence: missense variant.
Genome position (GRCh38, 1-based): chr16:68,833,314, C>T. VCF-style: chr16-68833314-C-T. GRCh37 (hg19) VCF-style: chr16-68867217-C-T.
Other names: c.2464C>T (LRG_301t1); c.2281C>T, p.Pro761Ser (NM_001317184.2); c.916C>T, p.Pro306Ser (NM_001317185.2); c.499C>T, p.Pro167Ser (NM_001317186.2); short protein forms P822S, P306S, P761S, P167S.
Identifiers: ClinVar variation 232938 (VCV000232938.20), dbSNP rs876660086, ClinGen allele CA10580163.